The following is an entry in ClinVar:

NM_001365276.2(TNXB):c.1136del (p.Gly379fs)

Gene: TNXB (tenascin XB; minus strand). Cytogenetic location: 6p21.33.
Variant type: Deletion.
Coding change: c.1136del on transcript NM_001365276.2 (MANE Select); coding-DNA position 1136, one base deleted (G; older notation c.1136delG).
Protein change: p.Gly379fs; shifts the reading frame from glycine 379.
Molecular consequence: frameshift variant.
Genome position (GRCh38, 1-based): chr6:32,096,717, C deleted on the plus strand (G on the coding strand, the reverse complement: TNXB is on the minus strand); the first of 4 consecutive C bases (chr6:32,096,717-32,096,720); deleting any one gives the same sequence. VCF-style (leftmost placement, unchanged base first): chr6-32096716-GC-G. GRCh37 (hg19) VCF-style: chr6-32064493-GC-G.
Other names: c.1136del, p.Gly379fs (NM_001428335.1, NM_019105.8); short protein forms G379fs.
Identifiers: ClinVar variation 3376963 (VCV003376963.1).
Genomic context (GRCh38, chr6:32,096,716, plus strand): 5'-GCAGTCGTCCCCGCTGTAGCCCGTGTCGCAAATGCATTCGCCGTCCTCGCAGCGCCCGCG[GC>G]CCCGGCAGTCCCTCGGACATGTCCGCGTGCTGCAGTCCTCGCCTGTGTACCCGGGCCAGC-3'

ClinVar aggregate classification (germline): Pathogenic (1 of 4 stars; one submission).

Conditions:
Ehlers-Danlos syndrome due to tenascin-X deficiency (EDSCLL1). Also called: TNX DEFICIENCY; TNXB-Related Classical-Like Ehlers-Danlos Syndrome; EHLERS-DANLOS SYNDROME, CLASSIC-LIKE; Ehlers-Danlos syndrome, classic-like, 1; EDS DUE TO TNX DEFICIENCY. Identifiers: Orphanet 230839, MedGen C1848029, MONDO:0011670, OMIM 606408.

Submission:

Victorian Clinical Genetics Services, Murdoch Childrens Research Institute
Classification: Pathogenic for Ehlers-Danlos syndrome due to tenascin-X deficiency. Last evaluated: 2024-10-08. Review status: criteria provided, single submitter. Criteria: ACMG Guidelines, 2015. Collection method: clinical testing. Allele origin: germline. Inheritance: Autosomal recessive inheritance. Affected: yes.
Comment: Based on the classification scheme VCGS_Germline_v1.3.4, this variant is classified as Pathogenic. Following criteria are met: 0102 - Loss of function is a known mechanism of disease in this gene and is associated with Ehlers-Danlos syndrome, classic-like, 1 (MIM#606408). (I) 0106 - This gene is associated with autosomal recessive disease. The association with autosomal dominant vesicoureteral reflux 8 (MIM#615963) currently has insufficient supporting information and is therefore not an established phenotype association. (I) 0201 - Variant is predicted to cause nonsense-mediated decay (NMD) and loss of protein (premature termination codon is located at least 54 nucleotides upstream of the final exon-exon junction). (SP) 0251 - This variant is heterozygous. (I) 0301 - Variant is absent from gnomAD (both v2 and v3). (SP) 0701 - Other NMD-predicted variants comparable to the one identified in this case have very strong previous evidence for pathogenicity (DECIPHER). (SP) 0807 - This variant has no previous evidence of pathogenicity. (I) 0905 - No published segregation evidence has been identified for this variant. (I) 1007 - No published functional evidence has been identified for this variant. (I) 1208 - Inheritance information for this variant is not currently available in this individual. (I) Legend: (SP) - Supporting pathogenic, (I) - Information, (SB) - Supporting benign